The following is an entry in ClinVar:

ClinVar aggregate classification (germline): Uncertain significance. Review status: criteria provided, multiple submitters, no conflicts (2 of 4 stars). 4 submissions from 4 submitters: Uncertain significance (4). Last evaluated 2025-12-11.

Conditions:
Inborn genetic diseases. Identifiers: MedGen C0950123, MeSH D030342.

Allele frequency attached by ClinVar (database versions not stated): ExAC 0.00002; gnomAD 0.00003 and 0.00005; gnomAD exomes 0.00005 and 0.00009; TOPMed 0.00006.
gnomAD v4.1: 127 of 1,608,992 alleles (0.0079%); highest among the groups gnomAD compares: Non-Finnish European, 0.0097%; no homozygotes.

Submissions (4):

Ambry Genetics
Classification: Uncertain significance for Inborn genetic diseases. Last evaluated: 2025-12-11. Review status: criteria provided, single submitter. Criteria: Ambry Variant Classification Scheme 2023. Collection method: clinical testing. Allele origin: germline.

Labcorp Genetics (formerly Invitae), Labcorp
Classification: Uncertain significance. Last evaluated: 2024-10-28. Review status: criteria provided, single submitter. Criteria: Invitae Variant Classification Sherloc (09022015). Collection method: clinical testing. Allele origin: germline.
Comment: This sequence change replaces arginine, which is basic and polar, with glutamine, which is neutral and polar, at codon 2586 of the HSPG2 protein (p.Arg2586Gln). This variant is present in population databases (rs767128656, gnomAD 0.02%). This variant has not been reported in the literature in individuals affected with HSPG2-related conditions. ClinVar contains an entry for this variant (Variation ID: 1441014). An algorithm developed to predict the effect of missense changes on protein structure and function (PolyPhen-2) suggests that this variant is likely to be disruptive. In summary, the available evidence is currently insufficient to determine the role of this variant in disease. Therefore, it has been classified as a Variant of Uncertain Significance.

Blueprint Genetics
Classification: Uncertain significance. Last evaluated: 2021-11-24. Review status: criteria provided, single submitter. Criteria: ACMG Guidelines, 2015. Collection method: clinical testing. Allele origin: germline.

Revvity Omics, Revvity
Classification: Uncertain significance. Last evaluated: 2019-10-22. Review status: criteria provided, single submitter. Criteria: ACMG Guidelines, 2015. Collection method: clinical testing. Allele origin: germline.

NM_005529.7(HSPG2):c.7757G>A (p.Arg2586Gln)

Gene: HSPG2 (heparan sulfate proteoglycan 2; minus strand). Cytogenetic location: 1p36.12.
Variant type: single nucleotide variant.
Coding change: c.7757G>A on transcript NM_005529.7 (MANE Select); coding-DNA position 7757, G replaced by A.
Protein change: p.Arg2586Gln; replaces arginine 2586 with glutamine.
Molecular consequence: missense variant.
Genome position (GRCh38, 1-based): chr1:21,848,074, C>T on the plus strand (G>A on the coding strand, the complement: HSPG2 is on the minus strand). VCF-style: chr1-21848074-C-T. GRCh37 (hg19) VCF-style: chr1-22174567-C-T.
Other names: c.7757G>A (NM_005529.5); c.7760G>A, p.Arg2587Gln (NM_001291860.2); short protein forms R2586Q, R2587Q.
Identifiers: ClinVar variation 1441014 (VCV001441014.9), dbSNP rs767128656, ClinGen allele CA671067.
Genomic context (GRCh38, chr1:21,848,074, plus strand): 5'-GCACCGTTACTGACGTGACACACGTACTCGCCCGAGTCTGCCGGAGTCACCTGAGGGATC[C>T]GCAGCCGGGAGCCCACGATCTGCAGGAAGCAGATGGCAGGAGGTATGGCAGTAGGTGTGG-3'
Protein context (NP_005520.4, residues 2576-2596): SRHQIVGSRL[Arg2586Gln]IPQVTPADSG